The following is an entry in ClinVar:

ClinVar aggregate classification (germline): Uncertain significance (1 of 4 stars; one submission).

Submission:

GeneDx
Classification: Uncertain significance. Last evaluated: 2022-02-28. Review status: criteria provided, single submitter. Criteria: GeneDx Variant Classification Process June 2021. Collection method: clinical testing. Allele origin: germline. Affected: yes.
Comment: Not observed at significant frequency in large population cohorts (gnomAD); In silico analysis supports that this missense variant does not alter protein structure/function; Has not been previously published as pathogenic or benign to our knowledge

NM_003070.5(SMARCA2):c.475G>C (p.Gly159Arg)

Gene: SMARCA2 (SWI/SNF related BAF chromatin remodeling complex subunit ATPase 2; plus strand). Cytogenetic location: 9p24.3.
Variant type: single nucleotide variant.
Coding change: c.475G>C on transcript NM_003070.5 (MANE Select); coding-DNA position 475, G replaced by C.
Protein change: p.Gly159Arg; replaces glycine 159 with arginine.
Molecular consequence: missense variant.
Genome position (GRCh38, 1-based): chr9:2,039,585, G>C. VCF-style: chr9-2039585-G-C. GRCh37 (hg19) VCF-style: chr9-2039585-G-C.
Other names: c.475G>C, p.Gly159Arg (NM_001289396.2, NM_001289397.2, NM_139045.4); short protein forms G159R.
Identifiers: ClinVar variation 1703967 (VCV001703967.2), dbSNP rs2537218868, ClinGen allele CA372779984.